The following is an entry in ClinVar:

ClinVar aggregate classification (germline): Uncertain significance. Review status: criteria provided, multiple submitters, no conflicts (2 of 4 stars). 2 submissions from 2 submitters: Uncertain significance (2). Last evaluated 2025-09-10.

Conditions:
Landau-Kleffner syndrome (FESD). Also called: EPILEPSY, FOCAL, WITH SPEECH DISORDER AND WITH OR WITHOUT MENTAL RETARDATION; APHASIA, ACQUIRED, WITH EPILEPSY. Identifiers: Orphanet 1945, Orphanet 725, Orphanet 98818, MedGen C0282512, MONDO:0009509, OMIM 245570.

Allele frequency attached by ClinVar (database versions not stated): gnomAD exomes below 0.00001.
gnomAD v4.1: 4 of 1,613,994 alleles (0.00025%); highest among the groups gnomAD compares: Non-Finnish European, 0.00034%; no homozygotes.

Submissions (2):

Labcorp Genetics (formerly Invitae), Labcorp
Classification: Uncertain significance for Landau-Kleffner syndrome. Last evaluated: 2025-09-10. Review status: criteria provided, single submitter. Criteria: Invitae Variant Classification Sherloc (09022015). Collection method: clinical testing. Allele origin: germline.
Comment: This sequence change replaces serine, which is neutral and polar, with threonine, which is neutral and polar, at codon 1025 of the GRIN2A protein (p.Ser1025Thr). This variant is not present in population databases (gnomAD no frequency). This missense change has been observed in individual(s) with GRIN2A-related conditions (PMID: 28109652). ClinVar contains an entry for this variant (Variation ID: 1298656). Invitae Evidence Modeling of protein sequence and biophysical properties (such as structural, functional, and spatial information, amino acid conservation, physicochemical variation, residue mobility, and thermodynamic stability) indicates that this missense variant is not expected to disrupt GRIN2A protein function with a negative predictive value of 95%. In summary, the available evidence is currently insufficient to determine the role of this variant in disease. Therefore, it has been classified as a Variant of Uncertain Significance.

CeGaT Center for Human Genetics Tuebingen
Classification: Uncertain significance. Last evaluated: 2021-07-01. Review status: criteria provided, single submitter. Criteria: CeGaT Center For Human Genetics Tuebingen Variant Classification Criteria Version 2. Collection method: clinical testing. Allele origin: germline. Affected: yes. Observed: 1 variant allele.

Literature cited by the submitters: PubMed 28109652 (cited by Labcorp Genetics (formerly Invitae), Labcorp).

NM_001134407.3(GRIN2A):c.3073T>A (p.Ser1025Thr)

Gene: GRIN2A (glutamate ionotropic receptor NMDA type subunit 2A; minus strand). Cytogenetic location: 16p13.2.
Variant type: single nucleotide variant.
Coding change: c.3073T>A on transcript NM_001134407.3 (MANE Select); coding-DNA position 3073, T replaced by A.
Protein change: p.Ser1025Thr; replaces serine 1025 with threonine.
Molecular consequence: missense variant.
Genome position (GRCh38, 1-based): chr16:9,764,471, A>T on the plus strand (T>A on the coding strand, the complement: GRIN2A is on the minus strand). VCF-style: chr16-9764471-A-T. GRCh37 (hg19) VCF-style: chr16-9858328-A-T.
Other names: c.3073T>A, p.Ser1025Thr (NM_000833.5, NM_001134408.2); short protein forms S1025T.
Identifiers: ClinVar variation 1298656 (VCV001298656.42), dbSNP rs1596376846, ClinGen allele CA394708723.